The following is an entry in ClinVar:

NM_007294.4(BRCA1):c.2773_2774del (p.Ile925fs)

Gene: BRCA1 (BRCA1 DNA repair associated; minus strand). Cytogenetic location: 17q21.31.
Variant type: Microsatellite.
Coding change: c.2773_2774del on transcript NM_007294.4 (MANE Select); coding-DNA positions 2773 to 2774, 2 bases deleted (AT; older notation c.2773_2774delAT).
Protein change: p.Ile925fs; shifts the reading frame from isoleucine 925.
Molecular consequence: frameshift variant. On other transcripts: intron variant (137).
Genome position (GRCh38, 1-based): chr17:43,092,757-43,092,758, AT deleted on the plus strand (AT on the coding strand, the reverse complement: BRCA1 is on the minus strand); deleting any 2 consecutive bases within chr17:43,092,757-43,092,760 gives the same sequence; the c. name uses the placement nearest the transcript's 3' end. VCF-style (leftmost placement, unchanged base first): chr17-43092756-GAT-G. GRCh37 (hg19) VCF-style: chr17-41244773-GAT-G.
Other names: c.2773_2774del, p.Ile925fs (NM_001407639.1, NM_001407640.1, NM_001407641.1 and 30 more transcripts); c.578-1726_578-1725del (NM_001408514.1, NM_001408485.1, NM_001408481.1 and 9 more transcripts); c.662-1726_662-1725del (NM_001408447.1, NM_001408433.1, NM_001408446.1 and 6 more transcripts); c.785-1726_785-1725del (NM_001408400.1, NM_001408392.1, NM_001407986.1 and 13 more transcripts); c.2770_2771del, p.Ile924fs (NM_001407644.1, NM_001407645.1, NM_001407627.1 and 22 more transcripts); c.665-1726_665-1725del (NM_001408437.1, NM_001408429.1, NM_001408441.1 and 12 more transcripts); c.788-1726_788-1725del (NM_001407979.1, NM_001407980.1, NM_001407993.1 and 17 more transcripts); c.2647_2648del, p.Ile883fs (NM_001407649.1, NM_001407670.1, NM_001407671.1 and 11 more transcripts); and 41 more; short protein forms I797fs, I837fs, I854fs, I857fs, I898fs, I757fs, I798fs, I813fs.
Identifiers: ClinVar variation 2763690 (VCV002763690.3), dbSNP rs2552183886, ClinGen allele CA2697559887.

ClinVar aggregate classification (germline): Pathogenic (1 of 4 stars; one submission).

Conditions:
Hereditary breast ovarian cancer syndrome. Also called: Hereditary breast and ovarian cancer syndrome; Hereditary breast and/or ovarian cancer syndrome; BRCA1- and BRCA2-Associated Hereditary Breast and Ovarian Cancer; Hereditary breast and ovarian cancer; Breast and ovarian cancer; Hereditary breast and ovarian cancer syndrome (HBOC). Identifiers: Orphanet 145, MedGen C0677776, MeSH D061325, MONDO:0003582. Disease mechanism: loss of function.

Submission:

Labcorp Genetics (formerly Invitae), Labcorp
Classification: Pathogenic for Hereditary breast ovarian cancer syndrome. Last evaluated: 2023-09-27. Review status: criteria provided, single submitter. Criteria: Invitae Variant Classification Sherloc (09022015). Collection method: clinical testing. Allele origin: germline.
Comment: For these reasons, this variant has been classified as Pathogenic. This variant disrupts a region of the BRCA1 protein in which other variant(s) (p.Tyr1853*) have been determined to be pathogenic (PMID: 7894493, 20104584, 24504028). This suggests that this is a clinically significant region of the protein, and that variants that disrupt it are likely to be disease-causing. This variant has not been reported in the literature in individuals affected with BRCA1-related conditions. This variant is not present in population databases (gnomAD no frequency). This sequence change creates a premature translational stop signal (p.Ile925Hisfs*12) in the BRCA1 gene. While this is not anticipated to result in nonsense mediated decay, it is expected to disrupt the last 939 amino acid(s) of the BRCA1 protein.

Literature cited by the submitters: PubMed 7894493; PubMed 20104584; PubMed 24504028.